The following is an entry in ClinVar:

NM_007294.4(BRCA1):c.155T>C (p.Leu52Pro)

Gene: BRCA1 (BRCA1 DNA repair associated; minus strand). Cytogenetic location: 17q21.31.
Variant type: single nucleotide variant.
Coding change: c.155T>C on transcript NM_007294.4 (MANE Select); coding-DNA position 155, T replaced by C.
Protein change: p.Leu52Pro; replaces leucine 52 with proline.
Molecular consequence: missense variant. On other transcripts: non-coding transcript variant (1).
Genome position (GRCh38, 1-based): chr17:43,106,513, A>G on the plus strand (T>C on the coding strand, the complement: BRCA1 is on the minus strand). VCF-style: chr17-43106513-A-G. GRCh37 (hg19) VCF-style: chr17-41258530-A-G.
Other names: c.-34T>C (NM_001407571.1, NM_001407853.1, NM_001407879.1 and 58 more transcripts); c.155T>C, p.Leu52Pro (NM_001407581.1, NM_001407582.1, NM_001407583.1 and 168 more transcripts); c.14T>C, p.Leu5Pro (NM_001407692.1, NM_001407694.1, NM_001407695.1 and 99 more transcripts); short protein forms L52P, L5P.
Identifiers: ClinVar variation 409340 (VCV000409340.21), dbSNP rs1060502346, ClinGen allele CA10601846.

ClinVar aggregate classification (germline): Uncertain significance. Review status: criteria provided, multiple submitters, no conflicts (2 of 4 stars). 3 submissions from 3 submitters: Uncertain significance (3). Last evaluated 2025-09-24.

Conditions:
Hereditary cancer-predisposing syndrome. Also called: Neoplastic Syndromes, Hereditary; Hereditary neoplastic syndrome; Hereditary Cancer Syndrome; Tumor predisposition. Identifiers: Orphanet 140162, MedGen C0027672, MeSH D009386, MONDO:0015356.
Hereditary breast ovarian cancer syndrome. Also called: Hereditary breast and ovarian cancer syndrome; Breast and ovarian cancer; Hereditary breast and ovarian cancer syndrome (HBOC); Hereditary breast and/or ovarian cancer syndrome; BRCA1- and BRCA2-Associated Hereditary Breast and Ovarian Cancer; Hereditary breast and ovarian cancer. Identifiers: Orphanet 145, MedGen C0677776, MeSH D061325, MONDO:0003582. Disease mechanism: loss of function.

Submissions (4):

Labcorp Genetics (formerly Invitae), Labcorp
Classification: Uncertain significance for Hereditary breast ovarian cancer syndrome. Last evaluated: 2025-09-24. Review status: criteria provided, single submitter. Criteria: Invitae Variant Classification Sherloc (09022015). Collection method: clinical testing. Allele origin: germline.
Comment: This sequence change replaces leucine, which is neutral and non-polar, with proline, which is neutral and non-polar, at codon 52 of the BRCA1 protein (p.Leu52Pro). This variant is not present in population databases (gnomAD no frequency). This variant has not been reported in the literature in individuals affected with BRCA1-related conditions. ClinVar contains an entry for this variant (Variation ID: 409340). Invitae Evidence Modeling incorporating data from in vitro experimental studies (PMID: 30209399) indicates that this missense variant is expected to disrupt BRCA1 function with a positive predictive value of 95%. Experimental studies are conflicting or provide insufficient evidence to determine the effect of this variant on BRCA1 function (PMID: 30209399). In summary, the available evidence is currently insufficient to determine the role of this variant in disease. Therefore, it has been classified as a Variant of Uncertain Significance.

Quest Diagnostics Nichols Institute San Juan Capistrano
Classification: Uncertain significance. Last evaluated: 2025-03-16. Review status: criteria provided, single submitter. Criteria: Quest Diagnostics criteria. Collection method: clinical testing. Allele origin: unknown.
Comment: The BRCA1 c.155T>C (p.Leu52Pro) variant has not been reported in individuals with BRCA1-related conditions in the published literature. A functional study demonstrated that this variant retained intermediate functional activity in a large-scale study using a haploid cell line (PMID: 30209399 (2018)). It also has not been reported in large, multi-ethnic general populations (Genome Aggregation Database). Analysis of this variant using bioinformatics tools (i.e., MutationTaster and PolyPhen-2) for the prediction of the effect of amino acid changes on protein structure and function yielded predictions that this variant is damaging. Based on the available information, we are unable to determine the clinical significance of this variant.

Ambry Genetics
Classification: Uncertain significance for Hereditary cancer-predisposing syndrome. Last evaluated: 2023-11-16. Review status: criteria provided, single submitter. Criteria: Ambry Variant Classification Scheme 2023. Collection method: clinical testing. Allele origin: germline.
Comment: The p.L52P variant (also known as c.155T>C), located in coding exon 3 of the BRCA1 gene, results from a T to C substitution at nucleotide position 155. The leucine at codon 52 is replaced by proline, an amino acid with similar properties. This amino acid position is highly conserved in available vertebrate species. One study found that this nucleotide substitution has intermediate functionality in a high throughput genome editing haploid cell survival assay (Findlay GM et al. Nature, 2018 10;562:217-222). In addition, this alteration is predicted to be deleterious by in silico analysis. Since supporting evidence is limited at this time, the clinical significance of this alteration remains unclear.

Brotman Baty Institute, University of Washington
No classification provided (evidence only). Condition: Breast-ovarian cancer, familial 1. Review status: no classification provided. Collection method: in vitro. Allele origin: not applicable. Functional consequence: function_uncertain_variant. Not counted in ClinVar's aggregate classification.
ClinVar note: "not provided" was previously submitted as the classification for the variant. However, the classification appeared to be based only on an observation of functional data so it was converted to no classification on 2025-07-30.

Literature cited by the submitters: PubMed 30209399 (cited by 3 submitters).